The following is an entry in ClinVar:

ClinVar aggregate classification (germline): Uncertain significance (1 of 4 stars; one submission).

Conditions:
AXL-related disorder. Also called: AXL-related condition.

Submission:

PreventionGenetics, part of Exact Sciences
Classification: Uncertain significance for AXL-related condition. Last evaluated: 2022-10-06. Review status: criteria provided, single submitter. Criteria: ACMG Guidelines, 2015. Collection method: clinical testing. Allele origin: germline.
Comment: The AXL c.2209delG variant is predicted to result in premature protein termination (p.Val737*). To our knowledge, this variant has not been reported in the literature or in a large population database, indicating this variant is rare. At this time, the clinical significance of this variant is uncertain due to the absence of conclusive functional and genetic evidence.

NM_021913.5(AXL):c.2209del (p.Gly736_Val737insTer)

Gene: AXL (AXL receptor tyrosine kinase; plus strand). Cytogenetic location: 19q13.2.
Variant type: Deletion.
Coding change: c.2209del on transcript NM_021913.5 (MANE Select); coding-DNA position 2209, one base deleted (G; older notation c.2209delG).
Protein change: p.Gly736_Val737insTer.
Molecular consequence: nonsense.
Genome position (GRCh38, 1-based): chr19:41,257,505, G deleted; the last of 4 consecutive G bases (chr19:41,257,502-41,257,505); deleting any one gives the same sequence. VCF-style (leftmost placement, unchanged base first): chr19-41257501-CG-C. GRCh37 (hg19) VCF-style: chr19-41763406-CG-C.
Other names: c.1405del, p.Gly468_Val469insTer (NM_001278599.2); c.2182del, p.Gly727_Val728insTer (NM_001699.6).
Identifiers: ClinVar variation 2636977 (VCV002636977.1), dbSNP rs2034472707, ClinGen allele CA995963925.
Genomic context (GRCh38, chr19:41,257,501, plus strand): 5'-TGCGGGTGATTCTGTGCAGGAGAGACTGTCTAATTCCCTCTGCCCCTCACAGTGGTCCTT[CG>C]GGGTGACAATGTGGGAGATTGCCACAAGAGGCCAAACCCCATATCCGGGCGTGGAGAACA-3'